The following is an entry in ClinVar:

NM_001368397.1(FRMPD4):c.3758G>C (p.Gly1253Ala)

Gene: FRMPD4 (FERM and PDZ domain containing 4; plus strand). Cytogenetic location: Xp22.2.
Variant type: single nucleotide variant.
Coding change: c.3758G>C on transcript NM_001368397.1 (MANE Select); coding-DNA position 3758, G replaced by C.
Protein change: p.Gly1253Ala; replaces glycine 1253 with alanine.
Molecular consequence: missense variant.
Genome position (GRCh38, 1-based): chrX:12,718,584, G>C. VCF-style: chrX-12718584-G-C. GRCh37 (hg19) VCF-style: chrX-12736703-G-C.
Other names: c.3869G>C, p.Gly1290Ala (NM_001368395.3, NM_001368398.3); c.3764G>C, p.Gly1255Ala (NM_001368396.3); c.3749G>C, p.Gly1250Ala (NM_001368399.3); c.3638G>C, p.Gly1213Ala (NM_001368400.3); c.3734G>C, p.Gly1245Ala (NM_001368401.1, NM_001368402.3); c.3758G>C, p.Gly1253Ala (NM_014728.3); short protein forms G1213A, G1245A, G1250A, G1253A, G1255A, G1290A.
Identifiers: ClinVar variation 1217186 (VCV001217186.3), dbSNP rs756474895, ClinGen allele CA326084817.

ClinVar aggregate classification (germline): Uncertain significance (1 of 4 stars; one submission).

Allele frequency attached by ClinVar (database versions not stated): gnomAD exomes 0.00001.
gnomAD v4.1: 7 of 1,210,341 alleles (0.00058%); highest among the groups gnomAD compares: Non-Finnish European, 0.00067%; no homozygotes.

Submission:

GeneDx
Classification: Uncertain significance. Last evaluated: 2019-12-31. Review status: criteria provided, single submitter. Criteria: GeneDx Variant Classification Process June 2021. Collection method: clinical testing. Allele origin: germline. Affected: yes.
Comment: Not observed in large population cohorts (Lek et al., 2016); In silico analysis, which includes protein predictors and evolutionary conservation, supports that this variant does not alter protein structure/function; Has not been previously published as pathogenic or benign to our knowledge